The following is an entry in ClinVar:

NM_004481.5(GALNT2):c.450G>A (p.Ser150=)

Gene: GALNT2 (polypeptide N-acetylgalactosaminyltransferase 2; plus strand). Cytogenetic location: 1q42.13.
Variant type: single nucleotide variant.
Coding change: c.450G>A on transcript NM_004481.5 (MANE Select); coding-DNA position 450, G replaced by A.
Protein change: p.Ser150=; no amino-acid change (serine 150 retained).
Molecular consequence: synonymous variant.
Genome position (GRCh38, 1-based): chr1:230,236,089, G>A. VCF-style: chr1-230236089-G-A. GRCh37 (hg19) VCF-style: chr1-230371835-G-A.
Other names: c.336G>A, p.Ser112= (NM_001291866.2); c.450G>A (NM_004481.4).
Identifiers: ClinVar variation 1565342 (VCV001565342.9), dbSNP rs138909324, ClinGen allele CA1446132.

ClinVar aggregate classification (germline): Conflicting classifications of pathogenicity. Review status: criteria provided, conflicting classifications (1 of 4 stars). 2 submissions from 2 submitters: Uncertain significance (1); Likely benign (1). Last evaluated 2025-06-29.

Allele frequency attached by ClinVar (database versions not stated): ESP Exome Variant Server 0.00046; gnomAD 0.00047.
gnomAD v4.1: 140 of 1,614,018 alleles (0.0087%); highest among the groups gnomAD compares: African/African-American, 0.15%; 1 homozygote.

Submissions (2):

Labcorp Genetics (formerly Invitae), Labcorp
Classification: Likely benign. Last evaluated: 2025-06-29. Review status: criteria provided, single submitter. Criteria: Invitae Variant Classification Sherloc (09022015). Collection method: clinical testing. Allele origin: germline.

GeneDx
Classification: Uncertain significance. Last evaluated: 2025-06-16. Review status: criteria provided, single submitter. Criteria: GeneDx Variant Classification Process June 2021. Collection method: clinical testing. Allele origin: germline. Affected: yes.
Comment: In silico analysis supports a deleterious effect on splicing; Has not been previously published as pathogenic or benign to our knowledge